The following is an entry in ClinVar:

NM_000170.3(GLDC):c.176G>C (p.Arg59Thr)

Gene: GLDC (glycine decarboxylase; minus strand). Cytogenetic location: 9p24.1.
Variant type: single nucleotide variant.
Coding change: c.176G>C on transcript NM_000170.3 (MANE Select); coding-DNA position 176, G replaced by C.
Protein change: p.Arg59Thr; replaces arginine 59 with threonine.
Molecular consequence: missense variant.
Genome position (GRCh38, 1-based): chr9:6,645,324, C>G on the plus strand (G>C on the coding strand, the complement: GLDC is on the minus strand). VCF-style: chr9-6645324-C-G. GRCh37 (hg19) VCF-style: chr9-6645324-C-G.
Other names: short protein forms R59T.
Identifiers: ClinVar variation 56049 (VCV000056049.7), dbSNP rs386833530, ClinGen allele CA263308.

ClinVar aggregate classification (germline): Conflicting classifications of pathogenicity. Review status: criteria provided, conflicting classifications (1 of 4 stars). 4 submissions from 4 submitters: Likely pathogenic (1); Uncertain significance (2). 1 of the submissions does not count toward it. Last evaluated 2024-05-22.

Conditions:
Inborn genetic diseases. Identifiers: MedGen C0950123, MeSH D030342.
Glycine encephalopathy. Also called: Nonketotic hyperglycinemia; Non-ketotic hyperglycinemia. Identifiers: Orphanet 407, MedGen C0751748, MONDO:0011612, HP:0008288.

Allele frequency attached by ClinVar (database versions not stated): gnomAD exomes below 0.00001; TOPMed below 0.00001.
gnomAD v4.1: 2 of 1,583,906 alleles (0.00013%); highest among the groups gnomAD compares: Non-Finnish European, 0.00017%; no homozygotes.

Submissions (4):

Blueprint Genetics
Classification: Uncertain significance. Last evaluated: 2024-05-22. Review status: criteria provided, single submitter. Criteria: ACMG Guidelines, 2015. Collection method: clinical testing. Allele origin: germline.

Ambry Genetics
Classification: Uncertain significance for Inborn genetic diseases. Last evaluated: 2023-10-10. Review status: criteria provided, single submitter. Criteria: Ambry Variant Classification Scheme 2023. Collection method: clinical testing. Allele origin: germline.

Centre for Mendelian Genomics, University Medical Centre Ljubljana
Classification: Likely pathogenic for Glycine encephalopathy 1. Last evaluated: 2019-02-28. Review status: criteria provided, single submitter. Criteria: ACMG Guidelines, 2015. Collection method: clinical testing. Allele origin: unknown. Affected: yes.
Comment: This variant was classified as: Likely pathogenic. The following ACMG criteria were applied in classifying this variant: PM3,PM2,PS1,PP3.

Juha Muilu Group; Institute for Molecular Medicine Finland (FIMM)
Classification: Likely pathogenic for Non-ketotic hyperglycinemia. Review status: no assertion criteria provided. Collection method: not provided. Allele origin: unknown. Not counted in ClinVar's aggregate classification.
Comment: FinDis database variant: This variant was not found or characterized by our laboratory, data were collected from public sources: see reference
ClinVar note: Converted during submission from probable-pathogenic to Likely pathogenic.

Literature cited by the submitters: PubMed 16450403 (cited by Ambry Genetics).